The following is an entry in ClinVar:

ClinVar aggregate classification (germline): Benign (1 of 4 stars; one submission).

Allele frequency attached by ClinVar (database versions not stated): gnomAD 0.04084 and 0.04202; 1000 Genomes Project 0.04253; 1000 Genomes Project 30x 0.04294; TOPMed 0.04758.
gnomAD v4.1: 6,157 of 150,352 alleles (4.1%); highest among the groups gnomAD compares: African/African-American, 7.4%; 155 homozygotes.

Submissions (5):

GeneDx
Classification: Benign. Last evaluated: 2018-06-14. Review status: criteria provided, single submitter. Criteria: GeneDx Variant Classification (06012015). Collection method: clinical testing. Allele origin: germline. Affected: yes.
Comment: This variant is considered likely benign or benign based on one or more of the following criteria: it is a conservative change, it occurs at a poorly conserved position in the protein, it is predicted to be benign by multiple in silico algorithms, and/or has population frequency not consistent with disease.

Dr. Peter K. Rogan Lab, Western University
No classification provided (evidence only). Condition: Cervical cancer. Review status: no classification provided. Collection method: in vitro. Allele origin: not applicable. Functional consequence: retained intron. Not counted in ClinVar's aggregate classification.

Dr. Peter K. Rogan Lab, Western University
No classification provided (evidence only). Condition: Sarcoma. Review status: no classification provided. Collection method: in vitro. Allele origin: not applicable. Functional consequence: retained intron. Not counted in ClinVar's aggregate classification.

Dr. Peter K. Rogan Lab, Western University
No classification provided (evidence only). Condition: Ovarian serous cystadenocarcinoma. Review status: no classification provided. Collection method: in vitro. Allele origin: not applicable. Functional consequence: retained intron. Not counted in ClinVar's aggregate classification.

Dr. Peter K. Rogan Lab, Western University
No classification provided (evidence only). Condition: Uterine carcinosarcoma. Review status: no classification provided. Collection method: in vitro. Allele origin: not applicable. Functional consequence: retained intron. Not counted in ClinVar's aggregate classification.

NM_080680.3(COL11A2):c.3960+235G>A

Gene: COL11A2 (collagen type XI alpha 2 chain; minus strand). Cytogenetic location: 6p21.32.
Variant type: single nucleotide variant.
Coding change: c.3960+235G>A on transcript NM_080680.3 (MANE Select); 235 bases into the intron after coding-DNA position 3960, G replaced by A.
Molecular consequence: intron variant.
Genome position (GRCh38, 1-based): chr6:33,168,284, C>T on the plus strand (G>A on the coding strand, the complement: COL11A2 is on the minus strand). VCF-style: chr6-33168284-C-T. GRCh37 (hg19) VCF-style: chr6-33136061-C-T.
Other names: NC_000006.11:g.33136061C>T; c.3639+235G>A (NM_080679.3); c.3702+235G>A (NM_080681.3).
Identifiers: ClinVar variation 679043 (VCV000679043.2), dbSNP rs73741509, ClinGen allele CA12441957.